The following is an entry in ClinVar:

NM_031220.4(PITPNM3):c.2108G>A (p.Arg703Gln)

Gene: PITPNM3 (PITPNM family member 3; minus strand). Cytogenetic location: 17p13.2.
Variant type: single nucleotide variant.
Coding change: c.2108G>A on transcript NM_031220.4 (MANE Select); coding-DNA position 2108, G replaced by A.
Protein change: p.Arg703Gln; replaces arginine 703 with glutamine.
Molecular consequence: missense variant.
Genome position (GRCh38, 1-based): chr17:6,464,218, C>T on the plus strand (G>A on the coding strand, the complement: PITPNM3 is on the minus strand). VCF-style: chr17-6464218-C-T. GRCh37 (hg19) VCF-style: chr17-6367538-C-T.
Other names: c.2108G>A (NM_031220.3); c.2000G>A, p.Arg667Gln (NM_001165966.2); short protein forms R667Q, R703Q.
Identifiers: ClinVar variation 1509121 (VCV001509121.8), dbSNP rs757552567, ClinGen allele CA8329278.

ClinVar aggregate classification (germline): Uncertain significance. Review status: criteria provided, multiple submitters, no conflicts (2 of 4 stars). 3 submissions from 3 submitters: Uncertain significance (3). Last evaluated 2025-09-03.

Allele frequency attached by ClinVar (database versions not stated): gnomAD exomes 0.00001 and 0.00005; ExAC 0.00002; gnomAD 0.00003; TOPMed 0.00004.
gnomAD v4.1: 75 of 1,614,086 alleles (0.0046%); highest among the groups gnomAD compares: Non-Finnish European, 0.0059%; no homozygotes.

Submissions (3):

Labcorp Genetics (formerly Invitae), Labcorp
Classification: Uncertain significance. Last evaluated: 2025-09-03. Review status: criteria provided, single submitter. Criteria: Invitae Variant Classification Sherloc (09022015). Collection method: clinical testing. Allele origin: germline.
Comment: This sequence change replaces arginine, which is basic and polar, with glutamine, which is neutral and polar, at codon 703 of the PITPNM3 protein (p.Arg703Gln). This variant is present in population databases (rs757552567, gnomAD 0.006%). This variant has not been reported in the literature in individuals affected with PITPNM3-related conditions. ClinVar contains an entry for this variant (Variation ID: 1509121). Invitae Evidence Modeling of protein sequence and biophysical properties (such as structural, functional, and spatial information, amino acid conservation, physicochemical variation, residue mobility, and thermodynamic stability) indicates that this missense variant is not expected to disrupt PITPNM3 protein function with a negative predictive value of 80%. In summary, the available evidence is currently insufficient to determine the role of this variant in disease. Therefore, it has been classified as a Variant of Uncertain Significance.

Ambry Genetics
Classification: Uncertain significance. Last evaluated: 2024-12-04. Review status: criteria provided, single submitter. Criteria: Ambry Variant Classification Scheme 2023. Collection method: clinical testing. Allele origin: germline.

Blueprint Genetics
Classification: Uncertain significance. Last evaluated: 2024-10-02. Review status: criteria provided, single submitter. Criteria: ACMG Guidelines, 2015. Collection method: clinical testing. Allele origin: germline.